The following is an entry in ClinVar:

NM_004667.6(HERC2):c.8755G>T (p.Asp2919Tyr)

Gene: HERC2 (HECT and RLD domain containing E3 ubiquitin protein ligase 2; minus strand). Cytogenetic location: 15q13.1.
Variant type: single nucleotide variant.
Coding change: c.8755G>T on transcript NM_004667.6 (MANE Select); coding-DNA position 8755, G replaced by T.
Protein change: p.Asp2919Tyr; replaces aspartic acid 2919 with tyrosine.
Molecular consequence: missense variant.
Genome position (GRCh38, 1-based): chr15:28,186,647, C>A on the plus strand (G>T on the coding strand, the complement: HERC2 is on the minus strand). VCF-style: chr15-28186647-C-A. GRCh37 (hg19) VCF-style: chr15-28431793-C-A.
Other names: short protein forms D2919Y.
Identifiers: ClinVar variation 5002995 (VCV005002995.1).

ClinVar aggregate classification (germline): Uncertain significance (1 of 4 stars; one submission).

Submission:

OLLIN Analises Genomicas, OLLIN
Classification: Uncertain significance. Last evaluated: 2026-08-06. Review status: criteria provided, single submitter. Criteria: ACMG Guidelines 2015 PMID 25741868. Collection method: clinical testing. Allele origin: germline.
Comment: This missense variant, located in exon 56 (of 93), is absent from gnomAD and ClinVar and has not been identified in the literature. In silico analysis is inconclusive regarding the impact of this variant. According to the currently available evidence, this variant has been classified as uncertain significance (PM2_P).